The following is an entry in ClinVar:

ClinVar aggregate classification (germline): Uncertain significance (1 of 4 stars; one submission).

Conditions:
Leukocyte adhesion deficiency 1 (LAD1). Also called: LEUKOCYTE ADHESION DEFICIENCY, TYPE I; LAD 1; Lymphocyte function-associated antigen 1 immunodeficiency; LFA 1 immunodeficiency. Identifiers: Orphanet 2968, Orphanet 99842, MedGen C0398738, MONDO:0007293, OMIM 116920.

Submission:

Labcorp Genetics (formerly Invitae), Labcorp
Classification: Uncertain significance for Leukocyte adhesion deficiency 1. Last evaluated: 2023-02-03. Review status: criteria provided, single submitter. Criteria: Invitae Variant Classification Sherloc (09022015). Collection method: clinical testing. Allele origin: germline.
Comment: This sequence change replaces glycine, which is neutral and non-polar, with alanine, which is neutral and non-polar, at codon 707 of the ITGB2 protein (p.Gly707Ala). This variant is not present in population databases (gnomAD no frequency). This variant has not been reported in the literature in individuals affected with ITGB2-related conditions. ClinVar contains an entry for this variant (Variation ID: 1395709). Advanced modeling of protein sequence and biophysical properties (such as structural, functional, and spatial information, amino acid conservation, physicochemical variation, residue mobility, and thermodynamic stability) performed at Invitae indicates that this missense variant is not expected to disrupt ITGB2 protein function. In summary, the available evidence is currently insufficient to determine the role of this variant in disease. Therefore, it has been classified as a Variant of Uncertain Significance.

NM_000211.5(ITGB2):c.2120G>C (p.Gly707Ala)

Gene: ITGB2 (integrin subunit beta 2; minus strand). Cytogenetic location: 21q22.3.
Variant type: single nucleotide variant.
Coding change: c.2120G>C on transcript NM_000211.5 (MANE Select); coding-DNA position 2120, G replaced by C.
Protein change: p.Gly707Ala; replaces glycine 707 with alanine.
Molecular consequence: missense variant.
Genome position (GRCh38, 1-based): chr21:44,886,863, C>G on the plus strand (G>C on the coding strand, the complement: ITGB2 is on the minus strand). VCF-style: chr21-44886863-C-G. GRCh37 (hg19) VCF-style: chr21-46306778-C-G.
Other names: c.2120G>C, p.Gly707Ala (NM_001127491.3); c.1913G>C, p.Gly638Ala (NM_001303238.2); short protein forms G707A, G638A.
Identifiers: ClinVar variation 1395709 (VCV001395709.6), dbSNP rs2146491308, ClinGen allele CA410482592.